The following is an entry in ClinVar:

NM_001127222.2(CACNA1A):c.4035_4043del (p.1346VLR[1])

Gene: CACNA1A (calcium voltage-gated channel subunit alpha1 A; minus strand). Cytogenetic location: 19p13.13.
Variant type: Deletion.
Coding change: c.4035_4043del on transcript NM_001127222.2 (MANE Select); coding-DNA positions 4035 to 4043, 9 bases deleted (AGTCCTCCG; older notation c.4035_4043delAGTCCTCCG).
Protein change: p.1346VLR[1].
Molecular consequence: inframe deletion. On other transcripts: inframe indel (1).
Genome position (GRCh38, 1-based): chr19:13,262,780-13,262,788, CGGAGGACT deleted on the plus strand (AGTCCTCCG on the coding strand, the reverse complement: CACNA1A is on the minus strand); deleting any 9 consecutive bases within chr19:13,262,780-13,262,794 gives the same sequence; the c. name uses the placement nearest the transcript's 3' end. VCF-style (leftmost placement, unchanged base first): chr19-13262779-CCGGAGGACT-C. GRCh37 (hg19) VCF-style: chr19-13373593-CCGGAGGACT-C.
Other names: c.4038_4046del (NM_001127221.1); c.4047_4055del, p.1350VLR[1] (NM_000068.4, NM_023035.3); c.4032_4040delCCTCCGAGT, p.Val1350_Arg1352del (NM_001127221.1); c.4038_4046del, p.1347VLR[1] (NM_001127221.2, NM_001174080.2).
Identifiers: ClinVar variation 2003613 (VCV002003613.5), dbSNP rs2512763658, ClinGen allele CA2580096691.
Genomic context (GRCh38, chr19:13,262,779, plus strand): 5'-ATCTCCCAATCTCACCTTGAGCTTTGGCAGCCGCTTGATGGTTTTAAGAGGTCGTAGCAC[CCGGAGGACT>C]CGGAGGGATTTAATCGTGTTGATGTCTTTTCCTTTGCTATTGCCACTGTGGAGGAATGTT-3'

ClinVar aggregate classification (germline): Conflicting classifications of pathogenicity. Review status: criteria provided, conflicting classifications (1 of 4 stars). 2 submissions from 2 submitters: Pathogenic (1); Uncertain significance (1). Last evaluated 2024-11-04.

Conditions:
Episodic ataxia type 2 (EA2). Also called: ATAXIA, EPISODIC, WITH NYSTAGMUS; ATAXIA, FAMILIAL PAROXYSMAL; CEREBELLAR ATAXIA, PAROXYSMAL, ACETAZOLAMIDE-RESPONSIVE; CEREBELLOPATHY, HEREDITARY PAROXYSMAL; ACETAZOLAMIDE-RESPONSIVE HEREDITARY PAROXYSMAL CEREBELLAR ATAXIA; EPISODIC ATAXIA, NYSTAGMUS-ASSOCIATED. Identifiers: Orphanet 97, MedGen C1720416, MONDO:0007163, OMIM 108500.
Developmental and epileptic encephalopathy, 42 (DEE42A). Also called: EPILEPTIC ENCEPHALOPATHY, EARLY INFANTILE, 42A; Epileptic encephalopathy, early infantile, 42; DEVELOPMENTAL AND EPILEPTIC ENCEPHALOPATHY 42A. Identifiers: MedGen C4310716, MONDO:0014917, OMIM 617106.

Submissions (2):

Labcorp Genetics (formerly Invitae), Labcorp
Classification: Pathogenic for Developmental and epileptic encephalopathy, 42; Episodic ataxia type 2. Last evaluated: 2024-11-04. Review status: criteria provided, single submitter. Criteria: Invitae Variant Classification Sherloc (09022015). Collection method: clinical testing. Allele origin: germline.
Comment: This variant, c.4038_4046del, results in the deletion of 3 amino acid(s) of the CACNA1A protein (p.Val1350_Arg1352del), but otherwise preserves the integrity of the reading frame. This variant is not present in population databases (gnomAD no frequency). This variant has not been reported in the literature in individuals affected with CACNA1A-related conditions. ClinVar contains an entry for this variant (Variation ID: 2003613). This variant disrupts a region of the CACNA1A protein in which other variant(s) (p.Arg1352Gln) have been determined to be pathogenic (PMID: 28007337, 29997391, 33425808). This suggests that this is a clinically significant region of the protein, and that variants that disrupt it are likely to be disease-causing. For these reasons, this variant has been classified as Pathogenic.

GeneDx
Classification: Uncertain significance. Last evaluated: 2022-12-09. Review status: criteria provided, single submitter. Criteria: GeneDx Variant Classification Process June 2021. Collection method: clinical testing. Allele origin: germline. Affected: yes.
Comment: In-frame deletion of 3 amino acids in a non-repeat region; Not observed at significant frequency in large population cohorts (gnomAD); In silico analysis supports that this variant does not alter protein structure/function; Has not been previously published as pathogenic or benign to our knowledge

Literature cited by the submitters: PubMed 28007337 (cited by Labcorp Genetics (formerly Invitae), Labcorp); PubMed 29997391 (cited by Labcorp Genetics (formerly Invitae), Labcorp); PubMed 33425808 (cited by Labcorp Genetics (formerly Invitae), Labcorp).